The following is an entry in ClinVar:

ClinVar aggregate classification (germline): Likely pathogenic (1 of 4 stars; one submission).

Conditions:
Cardiovascular phenotype. Identifiers: MedGen CN230736.

Submission:

Ambry Genetics
Classification: Likely pathogenic for Cardiovascular phenotype. Last evaluated: 2023-01-03. Review status: criteria provided, single submitter. Criteria: Ambry Variant Classification Scheme 2023. Collection method: clinical testing. Allele origin: germline.
Comment: The c.75571delA variant, located in coding exon 185 of the TTN gene, results from a deletion of one nucleotide at nucleotide position 75571, causing a translational frameshift with a predicted alternate stop codon (p.R25191Gfs*16). This exon is located in the M-band region of the N2-B isoform of the titin protein and is constitutively expressed in TTN transcripts (percent spliced in or PSI 100%). This variant is considered to be rare based on population cohorts in the Genome Aggregation Database (gnomAD). In addition, this alteration is expected to result in loss of function by premature protein truncation or nonsense-mediated mRNA decay. While truncating variants in TTN are present in 1-3% of the general population, truncating variants in the M-band have been reported in association with autosomal recessive titinopathies, primarily presenting with skeletal myopathy phenotypes (Ceyhan-Birsoy O et al. Neurology. 2013 Oct 1;81(14):1205-14; De Cid R et al. Neurology. 2015;85(24):2126-35). In addition, regardless of their position, TTN truncating variants encoded in constitutive exons (PSI >90%) have been found to be significantly associated with dilated cardiomyopathy (DCM), though truncating variants in the A-band are the most common cause of DCM (Herman DS et al. N. Engl. J. Med., 2012 Feb;366:619-28; Roberts AM et al. Sci Transl Med, 2015 Jan;7:270ra6; Schafer S et al. Nat. Genet., 2017 01;49:46-53). Based on the majority of available evidence to date, this variant is likely to be pathogenic in association with autosomal recessive titinopathy; however, the clinical significance of this alteration with respect to cardiomyopathy remains unclear.

NM_001267550.2(TTN):c.102766del (p.Arg34256fs)

Genes: TTN (titin; minus strand), TTN-AS1 (TTN antisense RNA 1; plus strand). Cytogenetic location: 2q31.2.
Variant type: Deletion.
Coding change: c.102766del on transcript NM_001267550.2 (MANE Select); coding-DNA position 102766, one base deleted (A; older notation c.102766delA).
Protein change: p.Arg34256fs; shifts the reading frame from arginine 34256.
Molecular consequence: frameshift variant.
Genome position (GRCh38, 1-based): chr2:178,533,849, T deleted on the plus strand (A on the coding strand, the reverse complement: TTN is on the minus strand); the first of 3 consecutive T bases (chr2:178,533,849-178,533,851); deleting any one gives the same sequence. VCF-style (leftmost placement, unchanged base first): chr2-178533848-CT-C. GRCh37 (hg19) VCF-style: chr2-179398575-CT-C.
Other names: c.97843del, p.Arg32615fs (NM_001256850.1); c.75571del, p.Arg25191fs (NM_003319.4); c.95062del, p.Arg31688fs (NM_133378.4); c.75946del, p.Arg25316fs (NM_133432.3); c.76147del, p.Arg25383fs (NM_133437.4); c.75571delA (NM_003319.4); short protein forms R25191fs, R34256fs, R25316fs, R32615fs, R25383fs, R31688fs.
Identifiers: ClinVar variation 2451880 (VCV002451880.2), dbSNP rs2468510942, ClinGen allele CA2580064913.